The following is an entry in ClinVar:

NM_000051.4(ATM):c.*1427T>C

Genes: ATM (ATM serine/threonine kinase; plus strand), C11orf65 (chromosome 11 open reading frame 65; minus strand). Cytogenetic location: 11q22.3.
Variant type: single nucleotide variant.
Coding change: c.*1427T>C on transcript NM_000051.4 (MANE Select); 1427 bases downstream of the stop codon, T replaced by C.
Molecular consequence: 3 prime UTR variant. On other transcripts: intron variant (2).
Genome position (GRCh38, 1-based): chr11:108,366,935, T>C. VCF-style: chr11-108366935-T-C. GRCh37 (hg19) VCF-style: chr11-108237662-T-C.
Other names: c.*1427T>C (NM_001351834.2); c.640+18985A>G (NM_001330368.2); c.694+18985A>G (NM_001351110.2).
Identifiers: ClinVar variation 302270 (VCV000302270.7), dbSNP rs3092836, ClinGen allele CA10633326.

ClinVar aggregate classification (germline): Benign (1 of 4 stars; one submission).

Conditions:
Ataxia-telangiectasia syndrome (AT). Also called: Ataxia telangiectasia (A-T); Cerebello-oculocutaneous telangiectasia; Immunodeficiency with ataxia telangiectasia; LOUIS-BAR SYNDROME; AT, COMPLEMENTATION GROUP C; ATAXIA-TELANGIECTASIA, FRESNO VARIANT. Identifiers: Orphanet 100, MedGen C0004135, MONDO:0008840, OMIM 208900.

Allele frequency attached by ClinVar (database versions not stated): gnomAD exomes 0.01027; gnomAD 0.02459 and 0.02439; 1000 Genomes Project 0.03435; 1000 Genomes Project 30x 0.03545; TOPMed 0.02621.
gnomAD v4.1: 4,373 of 221,776 alleles (2%); highest among the groups gnomAD compares: African/African-American, 7.7%; 125 homozygotes.

Submission:

Illumina Laboratory Services, Illumina
Classification: Benign for Ataxia-telangiectasia syndrome. Last evaluated: 2018-01-13. Review status: criteria provided, single submitter. Criteria: ICSL Variant Classification Criteria 13 December 2019. Collection method: clinical testing. Allele origin: germline.
Comment: This variant was observed in the ICSL laboratory as part of a predisposition screen in an ostensibly healthy population. It had not been previously curated by ICSL or reported in the Human Gene Mutation Database (HGMD: prior to June 1st, 2018), and was therefore a candidate for classification through an automated scoring system. Utilizing variant allele frequency, disease prevalence and penetrance estimates, and inheritance mode, an automated score was calculated to assess if this variant is too frequent to cause the disease. Based on the score and internal cut-off values, a variant classified as benign is not then subjected to further curation. The score for this variant resulted in a classification of benign for this disease.